The following is an entry in ClinVar:

NM_020779.4(WDR35):c.2496A>G (p.Glu832=)

Gene: WDR35 (WD repeat domain 35; minus strand). Cytogenetic location: 2p24.1.
Variant type: single nucleotide variant.
Coding change: c.2496A>G on transcript NM_020779.4 (MANE Select); coding-DNA position 2496, A replaced by G.
Protein change: p.Glu832=; no amino-acid change (glutamic acid 832 retained).
Molecular consequence: synonymous variant.
Genome position (GRCh38, 1-based): chr2:19,935,522, T>C on the plus strand (A>G on the coding strand, the complement: WDR35 is on the minus strand). VCF-style: chr2-19935522-T-C. GRCh37 (hg19) VCF-style: chr2-20135283-T-C.
Other names: p.Glu843=; c.2529A>G, p.Glu843= (NM_001006657.2).
Identifiers: ClinVar variation 256877 (VCV000256877.21), dbSNP rs6741091, ClinGen allele CA1542928.

ClinVar aggregate classification (germline): Benign. Review status: criteria provided, multiple submitters, no conflicts (2 of 4 stars). 12 submissions from 10 submitters: Benign (10). 2 of the submissions do not count toward it. Last evaluated 2026-02-04.

Conditions:
Cranioectodermal dysplasia 2 (CED2). Identifiers: Orphanet 1515, MedGen C3150874, MONDO:0013323, OMIM 613610.
Short-rib thoracic dysplasia 7 with or without polydactyly (SRTD7). Also called: Short rib polydactyly syndrome 5; SHORT-RIB THORACIC DYSPLASIA 7 WITH POLYDACTYLY. Identifiers: Orphanet 498497, Orphanet 93271, MedGen C3279792, MONDO:0013569, OMIM 614091.

Allele frequency attached by ClinVar (database versions not stated): ESP Exome Variant Server 0.42972; gnomAD 0.45165; TOPMed 0.45739; 1000 Genomes Project 30x 0.50703; 1000 Genomes Project 0.51078.
gnomAD v4.1: 717,521 of 1,612,456 alleles (44%); highest among the groups gnomAD compares: East Asian, 69%; 162,847 homozygotes.

Submissions (12):

Labcorp Genetics (formerly Invitae), Labcorp
Classification: Benign for Cranioectodermal dysplasia 2; Short-rib thoracic dysplasia 7 with or without polydactyly. Last evaluated: 2026-02-04. Review status: criteria provided, single submitter. Criteria: Invitae Variant Classification Sherloc (09022015). Collection method: clinical testing. Allele origin: germline.

Blueprint Genetics
Classification: Benign. Last evaluated: 2024-11-26. Review status: criteria provided, single submitter. Criteria: ACMG Guidelines, 2015. Collection method: clinical testing. Allele origin: germline.

Mayo Clinic Laboratories, Mayo Clinic
Classification: Benign. Last evaluated: 2022-03-09. Review status: criteria provided, single submitter. Criteria: ACMG Guidelines, 2015. Collection method: clinical testing. Allele origin: germline. Observed: 130 variant alleles.

Genome-Nilou Lab
Classification: Benign for Cranioectodermal dysplasia 2. Last evaluated: 2021-12-05. Review status: criteria provided, single submitter. Criteria: ACMG Guidelines, 2015. Collection method: clinical testing. Allele origin: germline. Affected: no.

Genome-Nilou Lab
Classification: Benign for Short-rib thoracic dysplasia 7 with or without polydactyly. Last evaluated: 2021-12-05. Review status: criteria provided, single submitter. Criteria: ACMG Guidelines, 2015. Collection method: clinical testing. Allele origin: germline. Affected: no.

Illumina Laboratory Services, Illumina
Classification: Benign for Short-rib thoracic dysplasia 7 with or without polydactyly. Last evaluated: 2018-01-13. Review status: criteria provided, single submitter. Criteria: ICSL Variant Classification Criteria 13 December 2019. Collection method: clinical testing. Allele origin: germline.
Comment: This variant was observed in the ICSL laboratory as part of a predisposition screen in an ostensibly healthy population. It had not been previously curated by ICSL or reported in the Human Gene Mutation Database (HGMD: prior to June 1st, 2018), and was therefore a candidate for classification through an automated scoring system. Utilizing variant allele frequency, disease prevalence and penetrance estimates, and inheritance mode, an automated score was calculated to assess if this variant is too frequent to cause the disease. Based on the score and internal cut-off values, a variant classified as benign is not then subjected to further curation. The score for this variant resulted in a classification of benign for this disease.

Illumina Laboratory Services, Illumina
Classification: Benign for Cranioectodermal dysplasia 2. Last evaluated: 2018-01-13. Review status: criteria provided, single submitter. Criteria: ICSL Variant Classification Criteria 13 December 2019. Collection method: clinical testing. Allele origin: germline.
Comment: the same text as in the submission from Illumina Laboratory Services, Illumina above.

GeneDx
Classification: Benign. Last evaluated: 2017-10-26. Review status: criteria provided, single submitter. Criteria: GeneDx Variant Classification (06012015). Collection method: clinical testing. Allele origin: germline. Affected: yes.
Comment: This variant is considered likely benign or benign based on one or more of the following criteria: it is a conservative change, it occurs at a poorly conserved position in the protein, it is predicted to be benign by multiple in silico algorithms, and/or has population frequency not consistent with disease.

Breakthrough Genomics
Classification: Benign. Review status: criteria provided, single submitter. Criteria: ACMG Guidelines, 2015. Collection method: not provided. Allele origin: germline. Inheritance: Autosomal recessive inheritance. Affected: yes.

PreventionGenetics, part of Exact Sciences
Classification: Benign. Review status: criteria provided, single submitter. Criteria: ACMG Guidelines, 2015. Collection method: clinical testing. Allele origin: germline.

Clinical Genetics DNA and cytogenetics Diagnostics Lab, Erasmus MC, Erasmus Medical Center
Classification: Benign. Review status: no assertion criteria provided. Collection method: clinical testing. Allele origin: germline. Affected: yes. Study: VKGL Data-share Consensus. Not counted in ClinVar's aggregate classification.

Joint Genome Diagnostic Labs from Nijmegen and Maastricht, Radboudumc and MUMC+
Classification: Benign. Review status: no assertion criteria provided. Collection method: clinical testing. Allele origin: germline. Affected: yes. Study: VKGL Data-share Consensus. Not counted in ClinVar's aggregate classification.